The following is an entry in ClinVar:

ClinVar aggregate classification (germline): Likely pathogenic. Review status: criteria provided, multiple submitters, no conflicts (2 of 4 stars). 2 submissions from 2 submitters: Likely pathogenic (2). Last evaluated 2025-08-22.

Conditions:
Autosomal dominant Alport syndrome (ATS3A). Also called: Alport syndrome dominant type; Renal failure and sensorineural hearing loss; ALPORT SYNDROME 3A, AUTOSOMAL DOMINANT. Identifiers: Orphanet 63, Orphanet 88918, MedGen C5882663, MONDO:0007086, OMIM 104200.
Hematuria, benign familial, 2 (BFH2). Identifiers: MedGen C5830421, MONDO:0958186, OMIM 620320.
Alport syndrome 3b, autosomal recessive. Identifiers: MedGen C5882699, MONDO:0957811, OMIM 620536.
Alport syndrome. Also called: Hemorrhagic familial nephritis; Hemorrhagic hereditary nephritis; Congenital hereditary hematuria. Identifiers: Orphanet 63, MedGen C1567741, MONDO:0018965.

Submissions (2):

Natera, Inc.
Classification: Likely pathogenic for Alport syndrome. Last evaluated: 2025-08-22. Review status: criteria provided, single submitter. Criteria: Natera Variant Classification Schema (03/2026). Collection method: clinical testing. Allele origin: germline.
Comment: The c.917G>T variant in COL4A3 is a missense variant predicted to cause substitution of glycine to valine at amino acid 306. This variant is rare in the general population with a frequency below the threshold expected for the associated phenotype(s). This variant is located in a functionally critical region of the protein. Computational prediction algorithms indicate this variant is likely to affect gene or protein function. Given the available evidence, this variant is classified as Likely Pathogenic.

Fulgent Genetics
Classification: Likely pathogenic for Autosomal dominant Alport syndrome; Hematuria, benign familial, 2; Alport syndrome 3b, autosomal recessive. Last evaluated: 2024-05-29. Review status: criteria provided, single submitter. Criteria: ACMG Guidelines, 2015. Collection method: clinical testing. Allele origin: germline.

NM_000091.5(COL4A3):c.917G>T (p.Gly306Val)

Genes: COL4A3 (collagen type IV alpha 3 chain; plus strand), MFF-DT (MFF divergent transcript; minus strand). Cytogenetic location: 2q36.3.
Variant type: single nucleotide variant.
Coding change: c.917G>T on transcript NM_000091.5 (MANE Select); coding-DNA position 917, G replaced by T.
Protein change: p.Gly306Val; replaces glycine 306 with valine.
Molecular consequence: missense variant.
Genome position (GRCh38, 1-based): chr2:227,256,054, G>T. VCF-style: chr2-227256054-G-T. GRCh37 (hg19) VCF-style: chr2-228120770-G-T.
Other names: short protein forms G306V.
Identifiers: ClinVar variation 3585999 (VCV003585999.2).